The following is an entry in ClinVar:

ClinVar aggregate classification (germline): Conflicting classifications of pathogenicity. Review status: criteria provided, conflicting classifications (1 of 4 stars). 2 submissions from 2 submitters: Likely pathogenic (1); Uncertain significance (1). Last evaluated 2026-08-13.

Conditions:
Syndromic X-linked intellectual disability 94 (MRXSW). Also called: MENTAL RETARDATION, X-LINKED, SYNDROMIC 29; X-linked intellectual disability due to GRIA3 anomalies. Identifiers: Orphanet 364028, MedGen C2678051, MONDO:0010402, OMIM 300699.
Inborn genetic diseases. Identifiers: MedGen C0950123, MeSH D030342.

Submissions (2):

Ambry Genetics
Classification: Uncertain significance for Inborn genetic diseases. Last evaluated: 2026-08-13. Review status: criteria provided, single submitter. Criteria: Ambry Variant Classification Scheme 2023. Collection method: clinical testing. Allele origin: germline.
Comment: The c.307G>T (p.G103*) alteration, located in exon 3 (coding exon 3) of the GRIA3 gene, consists of a G to T substitution at nucleotide position 307. This changes the amino acid from a glycine (G) to a stop codon at amino acid position 103. This variant is expected to result in premature protein truncation or nonsense-mediated mRNA decay. However, loss of function of GRIA3 has not been established as a mechanism of disease. This variant was not reported in population-based cohorts in the Genome Aggregation Database (gnomAD). Based on insufficient or conflicting evidence, the clinical significance of this alteration remains unclear.

Eurofins-Biomnis
Classification: Likely pathogenic for Syndromic X-linked intellectual disability 94. Last evaluated: 2022-12-13. Review status: criteria provided, single submitter. Criteria: Accession Criteria ClinVar Biomnis. Collection method: clinical testing. Allele origin: germline. Affected: yes. Observed: 1 hemizygote.

NM_007325.5(GRIA3):c.307G>T (p.Gly103Ter)

Gene: GRIA3 (glutamate ionotropic receptor AMPA type subunit 3; plus strand). Cytogenetic location: Xq25.
Variant type: single nucleotide variant.
Coding change: c.307G>T on transcript NM_007325.5 (MANE Select); coding-DNA position 307, G replaced by T.
Protein change: p.Gly103Ter; replaces glycine 103 with a stop codon.
Molecular consequence: nonsense.
Genome position (GRCh38, 1-based): chrX:123,253,341, G>T. VCF-style: chrX-123253341-G-T. GRCh37 (hg19) VCF-style: chrX-122387192-G-T.
Other names: c.307G>T (NM_000828.4); c.307G>T, p.Gly103Ter (NM_000828.5); short protein forms G103*.
Identifiers: ClinVar variation 2506483 (VCV002506483.2), dbSNP rs2520692544, ClinGen allele CA414260035.